The following is an entry in ClinVar:

ClinVar aggregate classification (germline): Uncertain significance (0 of 4 stars; one submission).

Conditions:
NPHS2-related disorder. Also called: NPHS2-related condition.

gnomAD v4.1: 1 of 1,614,054 alleles (0.000062%); highest among the groups gnomAD compares: Non-Finnish European, 0.000085%; no homozygotes.

Submission:

PreventionGenetics, part of Exact Sciences
Classification: Uncertain significance for NPHS2-related condition. Last evaluated: 2024-07-28. Review status: no assertion criteria provided. Collection method: clinical testing. Allele origin: germline.
Comment: The NPHS2 c.965G>T variant is predicted to result in the amino acid substitution p.Arg322Leu. To our knowledge, this variant has not been reported in the literature. However, other amino acid substitutions at this position have been reported in individuals with nephrotic syndrome (p.Arg322Gln in Berdeli et al. 2007. PubMed ID: 17899208; p.Arg322Pro in Sharma et al. 2008. PubMed ID: 19484379; p.Arg322Gly in Basiratnia et al. 2013. PubMed ID: 24072147). The c.965G>T (p.Arg322Leu) variant is reported in 0.00088% of alleles in individuals of European (non-Finnish) descent in gnomAD. Although we suspect that this variant may be pathogenic, at this time, the clinical significance of this variant is uncertain due to the absence of conclusive functional and genetic evidence.

NM_014625.4(NPHS2):c.965G>T (p.Arg322Leu)

Genes: AXDND1 (axonemal dynein light chain domain containing 1; plus strand), NPHS2 (NPHS2 stomatin family member, podocin; minus strand). Cytogenetic location: 1q25.2.
Variant type: single nucleotide variant.
Coding change: c.965G>T on transcript NM_014625.4 (MANE Select); coding-DNA position 965, G replaced by T.
Protein change: p.Arg322Leu; replaces arginine 322 with leucine.
Molecular consequence: missense variant. On other transcripts: intron variant (1).
Genome position (GRCh38, 1-based): chr1:179,551,360, C>A on the plus strand (G>T on the coding strand, the complement: NPHS2 is on the minus strand). VCF-style: chr1-179551360-C-A. GRCh37 (hg19) VCF-style: chr1-179520495-C-A.
Other names: c.761G>T, p.Arg254Leu (NM_001297575.2); c.3032-3152C>A (NM_144696.6); short protein forms R254L, R322L.
Identifiers: ClinVar variation 3346051 (VCV003346051.1).